The following is an entry in ClinVar:

ClinVar aggregate classification (germline): Uncertain significance. Review status: criteria provided, multiple submitters, no conflicts (2 of 4 stars). 2 submissions from 2 submitters: Uncertain significance (2). Last evaluated 2025-03-06.

Conditions:
Inborn genetic diseases. Identifiers: MedGen C0950123, MeSH D030342.

Allele frequency attached by ClinVar (database versions not stated): TOPMed below 0.00001.
gnomAD v4.1: 3 of 1,614,086 alleles (0.00019%); highest among the groups gnomAD compares: African/African-American, 0.004%; no homozygotes.

Submissions (2):

Ambry Genetics
Classification: Uncertain significance for Inborn genetic diseases. Last evaluated: 2025-03-06. Review status: criteria provided, single submitter. Criteria: Ambry Variant Classification Scheme 2023. Collection method: clinical testing. Allele origin: germline.
Comment: The p.G434V variant (also known as c.1301G>T), located in coding exon 12 of the ASXL1 gene, results from a G to T substitution at nucleotide position 1301. The glycine at codon 434 is replaced by valine, an amino acid with dissimilar properties. This amino acid position is conserved. In addition, this alteration is predicted to be tolerated by in silico analysis. Based on the available evidence, the clinical significance of this variant remains unclear.

Labcorp Genetics (formerly Invitae), Labcorp
Classification: Uncertain significance. Last evaluated: 2024-07-25. Review status: criteria provided, single submitter. Criteria: Invitae Variant Classification Sherloc (09022015). Collection method: clinical testing. Allele origin: germline.
Comment: This sequence change replaces glycine, which is neutral and non-polar, with valine, which is neutral and non-polar, at codon 434 of the ASXL1 protein (p.Gly434Val). This variant is not present in population databases (gnomAD no frequency). This variant has not been reported in the literature in individuals affected with ASXL1-related conditions. ClinVar contains an entry for this variant (Variation ID: 1718850). An algorithm developed to predict the effect of missense changes on protein structure and function (PolyPhen-2) suggests that this variant is likely to be disruptive. In summary, the available evidence is currently insufficient to determine the role of this variant in disease. Therefore, it has been classified as a Variant of Uncertain Significance.

NM_015338.6(ASXL1):c.1301G>T (p.Gly434Val)

Gene: ASXL1 (ASXL transcriptional regulator 1; plus strand). Cytogenetic location: 20q11.21.
Variant type: single nucleotide variant.
Coding change: c.1301G>T on transcript NM_015338.6 (MANE Select); coding-DNA position 1301, G replaced by T.
Protein change: p.Gly434Val; replaces glycine 434 with valine.
Molecular consequence: missense variant.
Genome position (GRCh38, 1-based): chr20:32,433,499, G>T. VCF-style: chr20-32433499-G-T. GRCh37 (hg19) VCF-style: chr20-31021302-G-T.
Other names: c.1118G>T, p.Gly373Val (NM_001363734.1); short protein forms G373V, G434V.
Identifiers: ClinVar variation 1718850 (VCV001718850.6), dbSNP rs1191343540, ClinGen allele CA408556290.